The following is an entry in ClinVar:

NM_005359.6(SMAD4):c.1311C>T (p.Val437=)

Gene: SMAD4 (SMAD family member 4; plus strand). Cytogenetic location: 18q21.2.
Variant type: single nucleotide variant.
Coding change: c.1311C>T on transcript NM_005359.6 (MANE Select); coding-DNA position 1311, C replaced by T.
Protein change: p.Val437=; no amino-acid change (valine 437 retained).
Molecular consequence: synonymous variant. On other transcripts: non-coding transcript variant (1).
Genome position (GRCh38, 1-based): chr18:51,076,640, C>T. VCF-style: chr18-51076640-C-T. GRCh37 (hg19) VCF-style: chr18-48603010-C-T.
Other names: c.1311C>T, p.Val437= (NM_001407041.1, NM_001407042.1).
Identifiers: ClinVar variation 1917948 (VCV001917948.8), dbSNP rs751539807, ClinGen allele CA503873809.
Genomic context (GRCh38, chr18:51,076,640, plus strand): 5'-TTTAATGTATGGAATTTTTCTTTATGAACTCATAGTATGAAATGTTTTTTCTTAAAAGGT[C>T]TTTGATTTGCGTCAGTGTCATCGACAGATGCAGCAGCAGGCGGCTACTGCACAAGCTGCA-3'
Protein context (NP_005350.1, residues 427-447): HKIYPSAYIK[Val437=]FDLRQCHRQM

ClinVar aggregate classification (germline): Benign/Likely benign. Review status: criteria provided, multiple submitters, no conflicts (2 of 4 stars). 3 submissions from 3 submitters: Benign (1); Likely benign (2). Last evaluated 2025-03-21.

Conditions:
Juvenile polyposis syndrome (JPS). Identifiers: Orphanet 2929, MedGen C0345893, MONDO:0017380, OMIM 174900.
Juvenile polyposis/hereditary hemorrhagic telangiectasia syndrome (JPHT). Also called: JP/HHT SYNDROME; JUVENILE POLYPOSIS WITH HEREDITARY HEMORRHAGIC TELANGIECTASIA; POLYPOSIS, GENERALIZED JUVENILE, WITH PULMONARY ARTERIOVENOUS MALFORMATION; TELANGIECTASIA, HEREDITARY HEMORRHAGIC, WITH JUVENILE POLYPOSIS COLI; Juvenile Polyposis Syndrome / Hereditary Hemorrhagic Telangiectasia (JPS/HHT). Identifiers: Orphanet 2929, MedGen C1832942, MONDO:0008278, OMIM 175050.

gnomAD v4.1: 1 of 1,613,580 alleles (0.000062%); highest among the groups gnomAD compares: Non-Finnish European, 0.000085%; no homozygotes.

Submissions (3):

Myriad Genetics, Inc.
Classification: Benign for Juvenile polyposis/hereditary hemorrhagic telangiectasia syndrome. Last evaluated: 2025-03-21. Review status: criteria provided, single submitter. Criteria: Myriad Autosomal Dominant, Autosomal Recessive and X-Linked Classification Criteria (2023). Collection method: clinical testing. Allele origin: unknown.
Comment: This variant is considered benign. This variant is a silent/synonymous amino acid change and it is not expected to impact splicing.

Labcorp Genetics (formerly Invitae), Labcorp
Classification: Likely benign for Juvenile polyposis syndrome. Last evaluated: 2025-03-07. Review status: criteria provided, single submitter. Criteria: Invitae Variant Classification Sherloc (09022015). Collection method: clinical testing. Allele origin: germline.

Center for Genomic Medicine, Rigshospitalet, Copenhagen University Hospital
Classification: Likely benign. Last evaluated: 2025-03-04. Review status: criteria provided, single submitter. Criteria: ACMG Guidelines, 2015. Collection method: clinical testing. Allele origin: germline.